The following is an entry in ClinVar:

ClinVar aggregate classification (germline): Conflicting classifications of pathogenicity. Review status: criteria provided, conflicting classifications (1 of 4 stars). 2 submissions from 2 submitters: Uncertain significance (1); Likely benign (1). Last evaluated 2026-08-01.

Conditions:
CHARGE syndrome (CHARGE). Also called: Hittner Hirsch Kreh syndrome; CHARGE ASSOCIATION--COLOBOMA, HEART ANOMALY, CHOANAL ATRESIA, RETARDATION, GENITAL AND EAR ANOMALIES; Coloboma, heart anomaly, choanal atresia, retardation, genital and ear anomalies; CHARGE association; Hall-Hittner syndrome. Identifiers: Orphanet 138, MedGen C0265354, MONDO:0008965.
Hypogonadotropic hypogonadism 5 with or without anosmia (KAL5). Also called: CHD7-Related GnRH Deficiency (Kallmann Syndrome 5); HYPOGONADOTROPIC HYPOGONADISM 5 WITH ANOSMIA; HYPOGONADOTROPHIC HYPOGONADISM 5 WITHOUT ANOSMIA. Identifiers: Orphanet 478, MedGen C3552553, MONDO:0012880, OMIM 612370. Disease mechanism: loss of function.

gnomAD v4.1: 5 of 1,613,442 alleles (0.00031%); highest among the groups gnomAD compares: Non-Finnish European, 0.00034%; no homozygotes.

Submissions (2):

CeGaT Center for Human Genetics Tuebingen
Classification: Likely benign. Last evaluated: 2026-08-01. Review status: criteria provided, single submitter. Criteria: CeGaT Center For Human Genetics Tuebingen Variant Classification Criteria Version 2. Collection method: clinical testing. Allele origin: germline. Affected: yes. Observed: 1 variant allele.
Comment: CHD7: BS2

Fulgent Genetics
Classification: Uncertain significance for CHD7-related CHARGE syndrome; Hypogonadotropic hypogonadism 5 with or without anosmia. Last evaluated: 2024-03-01. Review status: criteria provided, single submitter. Criteria: ACMG Guidelines, 2015. Collection method: clinical testing. Allele origin: germline.

NM_017780.4(CHD7):c.107C>T (p.Pro36Leu)

Gene: CHD7 (chromodomain helicase DNA binding protein 7; plus strand). Cytogenetic location: 8q12.2.
Variant type: single nucleotide variant.
Coding change: c.107C>T on transcript NM_017780.4 (MANE Select); coding-DNA position 107, C replaced by T.
Protein change: p.Pro36Leu; replaces proline 36 with leucine.
Molecular consequence: missense variant.
Genome position (GRCh38, 1-based): chr8:60,741,539, C>T. VCF-style: chr8-60741539-C-T. GRCh37 (hg19) VCF-style: chr8-61654098-C-T.
Other names: c.107C>T, p.Pro36Leu (NM_001316690.1); short protein forms P36L.
Identifiers: ClinVar variation 3595675 (VCV003595675.2).